The following is an entry in ClinVar:

ClinVar aggregate classification (germline): Uncertain significance. Review status: criteria provided, multiple submitters, no conflicts (2 of 4 stars). 2 submissions from 2 submitters: Uncertain significance (2). Last evaluated 2022-03-17.

Allele frequency attached by ClinVar (database versions not stated): gnomAD exomes below 0.00001; gnomAD 0.00001; TOPMed 0.00002.

Submissions (2):

Blueprint Genetics
Classification: Uncertain significance. Last evaluated: 2022-03-17. Review status: criteria provided, single submitter. Criteria: ACMG Guidelines, 2015. Collection method: clinical testing. Allele origin: germline.

Labcorp Genetics (formerly Invitae), Labcorp
Classification: Uncertain significance. Last evaluated: 2021-08-20. Review status: criteria provided, single submitter. Criteria: Invitae Variant Classification Sherloc (09022015). Collection method: clinical testing. Allele origin: germline.
Comment: This sequence change replaces lysine with glutamic acid at codon 29 of the SLC45A2 protein (p.Lys29Glu). The lysine residue is moderately conserved and there is a small physicochemical difference between lysine and glutamic acid. This variant is not present in population databases (ExAC no frequency). This variant has not been reported in the literature in individuals affected with SLC45A2-related conditions. Algorithms developed to predict the effect of missense changes on protein structure and function are either unavailable or do not agree on the potential impact of this missense change (SIFT: "Deleterious"; PolyPhen-2: "Benign"; Align-GVGD: "Class C0"). In summary, the available evidence is currently insufficient to determine the role of this variant in disease. Therefore, it has been classified as a Variant of Uncertain Significance.

NM_016180.5(SLC45A2):c.85A>G (p.Lys29Glu)

Gene: SLC45A2 (solute carrier family 45 member 2; minus strand). Cytogenetic location: 5p13.2.
Variant type: single nucleotide variant.
Coding change: c.85A>G on transcript NM_016180.5 (MANE Select); coding-DNA position 85, A replaced by G.
Protein change: p.Lys29Glu; replaces lysine 29 with glutamic acid.
Molecular consequence: missense variant.
Genome position (GRCh38, 1-based): chr5:33,984,499, T>C on the plus strand (A>G on the coding strand, the complement: SLC45A2 is on the minus strand). VCF-style: chr5-33984499-T-C. GRCh37 (hg19) VCF-style: chr5-33984604-T-C.
Other names: c.85A>G, p.Lys29Glu (NM_001012509.4, NM_001297417.4); short protein forms K29E.
Identifiers: ClinVar variation 1022928 (VCV001022928.7), dbSNP rs897205579, ClinGen allele CA116903819.